The following is an entry in ClinVar:

ClinVar aggregate classification (germline): Likely pathogenic (1 of 4 stars; one submission).

Conditions:
Intellectual developmental disorder, autosomal dominant 45. Also called: MENTAL RETARDATION, AUTOSOMAL DOMINANT 45; Intellectual disability, autosomal dominant 45. Identifiers: MedGen C4539848, MONDO:0030910, OMIM 617600.

Submission:

3billion
Classification: Likely pathogenic for Intellectual developmental disorder, autosomal dominant 45. Last evaluated: 2024-07-15. Review status: criteria provided, single submitter. Criteria: ACMG Guidelines, 2015. Collection method: clinical testing. Allele origin: germline. Affected: yes.
Comment: The variant is not observed in the gnomAD v4.0.0 dataset. Predicted Consequence/Location: Stop-gained (nonsense): predicted to result in a loss or disruption of normal protein function through nonsense-mediated decay (NMD) or protein truncation. Multiple pathogenic variants are reported downstream of the variant. Therefore, this variant is classified as Likely pathogenic according to the recommendation of ACMG/AMP guideline.

NM_001386298.1(CIC):c.3385C>T (p.Gln1129Ter)

Gene: CIC (capicua transcriptional repressor; plus strand). Cytogenetic location: 19q13.2.
Variant type: single nucleotide variant.
Coding change: c.3385C>T on transcript NM_001386298.1 (MANE Select); coding-DNA position 3385, C replaced by T.
Protein change: p.Gln1129Ter; replaces glutamine 1129 with a stop codon.
Molecular consequence: nonsense.
Genome position (GRCh38, 1-based): chr19:42,287,620, C>T. VCF-style: chr19-42287620-C-T. GRCh37 (hg19) VCF-style: chr19-42791772-C-T.
Other names: c.3385C>T, p.Gln1129Ter (NM_001304815.2, NM_001379480.1, NM_001379482.1 and 6 more transcripts); c.658C>T, p.Gln220Ter (NM_001379484.1, NM_001379485.1, NM_001439189.1 and 3 more transcripts); short protein forms Q1129*, Q220*.
Identifiers: ClinVar variation 4292066 (VCV004292066.1).
Genomic context (GRCh38, chr19:42,287,620, plus strand): 5'-ATCCGGCGGCCCATGAATGCCTTCATGATCTTCAGCAAGCGGCACCGGGCCCTGGTCCAC[C>T]AGCGTCATCCCAACCAGGACAACCGGACCGTCAGCAAGATCCTGGGCGAGTGGTGGTATG-3'